The following is an entry in ClinVar:

ClinVar aggregate classification (germline): Uncertain significance. Review status: criteria provided, multiple submitters, no conflicts (2 of 4 stars). 2 submissions from 2 submitters: Uncertain significance (2). Last evaluated 2025-10-26.

Conditions:
Cardiovascular phenotype. Identifiers: MedGen CN230736.

Submissions (2):

Ambry Genetics
Classification: Uncertain significance for Cardiovascular phenotype. Last evaluated: 2025-10-26. Review status: criteria provided, single submitter. Criteria: Ambry Variant Classification Scheme 2023. Collection method: clinical testing. Allele origin: germline.
Comment: The p.C181F variant (also known as c.542G>T), located in coding exon 4 of the NRAS gene, results from a G to T substitution at nucleotide position 542. The cysteine at codon 181 is replaced by phenylalanine, an amino acid with highly dissimilar properties. This amino acid position is conserved. In addition, this alteration is predicted to be deleterious by in silico analysis. Based on the available evidence, the clinical significance of this variant remains unclear.

GeneDx
Classification: Uncertain significance. Last evaluated: 2019-08-07. Review status: criteria provided, single submitter. Criteria: GeneDx Variant Classification Process June 2021. Collection method: clinical testing. Allele origin: germline. Affected: yes.
Comment: The majority of missense variants in this gene are considered pathogenic (Stenson et al., 2014); Not observed in large population cohorts (Lek et al., 2016); In silico analysis, which includes protein predictors and evolutionary conservation, supports a deleterious effect; Has not been previously published as pathogenic or benign to our knowledge

NM_002524.5(NRAS):c.542G>T (p.Cys181Phe)

Gene: NRAS (NRAS proto-oncogene, GTPase; minus strand). Cytogenetic location: 1p13.2.
Variant type: single nucleotide variant.
Coding change: c.542G>T on transcript NM_002524.5 (MANE Select); coding-DNA position 542, G replaced by T.
Protein change: p.Cys181Phe; replaces cysteine 181 with phenylalanine.
Molecular consequence: missense variant.
Genome position (GRCh38, 1-based): chr1:114,708,563, C>A on the plus strand (G>T on the coding strand, the complement: NRAS is on the minus strand). VCF-style: chr1-114708563-C-A. GRCh37 (hg19) VCF-style: chr1-115251184-C-A.
Other names: c.542G>T (NM_002524.4); short protein forms C181F.
Identifiers: ClinVar variation 1307680 (VCV001307680.3), dbSNP rs2101737803, ClinGen allele CA341738434.